The following is an entry in ClinVar:

NM_212482.4(FN1):c.4449T>C (p.His1483=)

Gene: FN1 (fibronectin 1; minus strand). Cytogenetic location: 2q35.
Variant type: single nucleotide variant.
Coding change: c.4449T>C on transcript NM_212482.4 (MANE Select); coding-DNA position 4449, T replaced by C.
Protein change: p.His1483=; no amino-acid change (histidine 1483 retained).
Molecular consequence: synonymous variant.
Genome position (GRCh38, 1-based): chr2:215,386,852, A>G on the plus strand (T>C on the coding strand, the complement: FN1 is on the minus strand). VCF-style: chr2-215386852-A-G. GRCh37 (hg19) VCF-style: chr2-216251575-A-G.
Other names: c.4449T>C, p.His1483= (NM_001306129.2, NM_001306130.2, NM_001365517.2 and 3 more transcripts); c.4176T>C, p.His1392= (NM_001306131.2, NM_001306132.2, NM_001365518.2 and 7 more transcripts).
Identifiers: ClinVar variation 3053409 (VCV003053409.2), dbSNP rs1165075338, ClinGen allele CA431397822.

ClinVar aggregate classification (germline): Likely benign (0 of 4 stars; one submission).

Conditions:
FN1-related disorder. Also called: FN1-related condition.

Allele frequency attached by ClinVar (database versions not stated): gnomAD exomes below 0.00001; TOPMed below 0.00001; gnomAD 0.00001.
gnomAD v4.1: 3 of 1,613,940 alleles (0.00019%); highest among the groups gnomAD compares: Non-Finnish European, 0.000085%; no homozygotes.

Submission:

PreventionGenetics, part of Exact Sciences
Classification: Likely benign for FN1-related condition. Last evaluated: 2023-06-01. Review status: no assertion criteria provided. Collection method: clinical testing. Allele origin: germline.
Comment: This variant is classified as likely benign based on ACMG/AMP sequence variant interpretation guidelines (Richards et al. 2015 PMID: 25741868, with internal and published modifications).